The following is an entry in ClinVar:

ClinVar aggregate classification (germline): Uncertain significance (1 of 4 stars; one submission).

gnomAD v4.1: 2 of 1,610,832 alleles (0.00012%); highest among the groups gnomAD compares: Non-Finnish European, 0.00017%; no homozygotes.

Submission:

Labcorp Genetics (formerly Invitae), Labcorp
Classification: Uncertain significance. Last evaluated: 2024-06-26. Review status: criteria provided, single submitter. Criteria: Invitae Variant Classification Sherloc (09022015). Collection method: clinical testing. Allele origin: germline.
Comment: This sequence change replaces alanine, which is neutral and non-polar, with threonine, which is neutral and polar, at codon 2168 of the KMT2A protein (p.Ala2168Thr). This variant is present in population databases (rs372995209, gnomAD 0.0009%). This variant has not been reported in the literature in individuals affected with KMT2A-related conditions. Advanced modeling of protein sequence and biophysical properties (such as structural, functional, and spatial information, amino acid conservation, physicochemical variation, residue mobility, and thermodynamic stability) performed at Invitae indicates that this missense variant is not expected to disrupt KMT2A protein function with a negative predictive value of 95%. In summary, the available evidence is currently insufficient to determine the role of this variant in disease. Therefore, it has been classified as a Variant of Uncertain Significance.

NM_001197104.2(KMT2A):c.6502G>A (p.Ala2168Thr)

Gene: KMT2A (lysine methyltransferase 2A; plus strand). Cytogenetic location: 11q23.3.
Variant type: single nucleotide variant.
Coding change: c.6502G>A on transcript NM_001197104.2 (MANE Select); coding-DNA position 6502, G replaced by A.
Protein change: p.Ala2168Thr; replaces alanine 2168 with threonine.
Molecular consequence: missense variant.
Genome position (GRCh38, 1-based): chr11:118,501,854, G>A. VCF-style: chr11-118501854-G-A. GRCh37 (hg19) VCF-style: chr11-118372569-G-A.
Other names: c.6592G>A, p.Ala2198Thr (NM_001412597.1); c.6493G>A, p.Ala2165Thr (NM_005933.4); short protein forms A2168T, A2198T, A2165T.
Identifiers: ClinVar variation 3689677 (VCV003689677.2).